The following is an entry in ClinVar:

NM_017654.4(SAMD9):c.-8-1G>A

Gene: SAMD9 (sterile alpha motif domain containing 9; minus strand). Cytogenetic location: 7q21.2.
Variant type: single nucleotide variant.
Coding change: c.-8-1G>A on transcript NM_017654.4 (MANE Select); the canonical splice acceptor site of the intron before 8 bases upstream of the start codon, G replaced by A.
Molecular consequence: splice acceptor variant.
Genome position (GRCh38, 1-based): chr7:93,106,106, C>T on the plus strand (G>A on the coding strand, the complement: SAMD9 is on the minus strand). VCF-style: chr7-93106106-C-T. GRCh37 (hg19) VCF-style: chr7-92735419-C-T.
Other names: c.-8-1G>A (NM_001193307.2).
Identifiers: ClinVar variation 3896353 (VCV003896353.3).
Genomic context (GRCh38, chr7:93,106,106, plus strand): 5'-CCTCTTTTGTCCAATCATCTGTATTTTCTGGAAGGTTAAGTTGCTTTGCCATTCTGATAC[C>T]TATATGTAGAAAAAGAAAAATTATTTAGTATTATTAAAAGTAAAATTTTGAAACAATTTT-3'

ClinVar aggregate classification (germline): Conflicting classifications of pathogenicity. Review status: criteria provided, conflicting classifications (1 of 4 stars). 2 submissions from 2 submitters: Likely pathogenic (1); Uncertain significance (1). Last evaluated 2025-09-24.

Conditions:
MIRAGE syndrome. Also called: MYELODYSPLASIA, INFECTION, RESTRICTION OF GROWTH, ADRENAL HYPOPLASIA, GENITAL PHENOTYPES, AND ENTEROPATHY. Identifiers: Orphanet 494433, MedGen C4284088, MONDO:0014888, OMIM 617053.

gnomAD v4.1: 59 of 1,553,350 alleles (0.0038%); highest among the groups gnomAD compares: East Asian, 0.12%; no homozygotes.

Submissions (2):

Genesolutions, Medical Genetics Institutes, Ho Chi Minh City, Vietnam
Classification: Likely pathogenic for MIRAGE syndrome. Last evaluated: 2025-09-24. Review status: criteria provided, single submitter. Criteria: ACMG Guidelines, 2015. Collection method: clinical testing. Allele origin: germline. Affected: yes.

Women's Health and Genetics/Laboratory Corporation of America, LabCorp
Classification: Uncertain significance. Last evaluated: 2025-04-10. Review status: criteria provided, single submitter. Criteria: LabCorp Variant Classification Summary - May 2015. Collection method: clinical testing. Allele origin: germline.
Comment: Variant summary: SAMD9 c.-8-1G>A is located in a canonical splice-site and is predicted to affect mRNA splicing resulting in a significantly altered protein due to either exon skipping, shortening, or inclusion of intronic material. Variants that disrupt the consensus splice site are a relatively common cause of aberrant splicing, however current evidence is not sufficient to establish loss of function as a mechanism for disease. Several computational tools predict a significant impact on normal splicing: Four predict the variant abolishes a 3' acceptor site. However, these predictions have yet to be confirmed by functional studies. The variant allele was found at a frequency of 0.00019 in 251488 control chromosomes. This frequency is not significantly higher than estimated for a pathogenic variant in SAMD9 causing MIRAGE Syndrome, allowing no conclusion about variant significance. To our knowledge, no occurrence of c.-8-1G>A in individuals affected with MIRAGE Syndrome and no experimental evidence demonstrating its impact on protein function have been reported. No submitters have cited clinical-significance assessments for this variant to ClinVar. Based on the evidence outlined above, the variant was classified as uncertain significance.